The following is an entry in ClinVar:

NM_002890.3(RASA1):c.1579_1582del (p.Val527fs)

Genes: CCNH (cyclin H; minus strand), RASA1 (RAS p21 protein activator 1; plus strand). Cytogenetic location: 5q14.3.
Variant type: Deletion.
Coding change: c.1579_1582del on transcript NM_002890.3 (MANE Select); coding-DNA positions 1579 to 1582, 4 bases deleted (GTCT; older notation c.1579_1582delGTCT).
Protein change: p.Val527fs; shifts the reading frame from valine 527.
Molecular consequence: frameshift variant. On other transcripts: intron variant (1).
Genome position (GRCh38, 1-based): chr5:87,363,473-87,363,476, GTCT deleted; deleting any 4 consecutive bases within chr5:87,363,470-87,363,476 gives the same sequence; the c. name uses the placement nearest the transcript's 3' end. VCF-style (leftmost placement, unchanged base first): chr5-87363469-TTCTG-T. GRCh37 (hg19) VCF-style: chr5-86659286-TTCTG-T.
Other names: c.1579_1582delGTCT (NM_002890.3); c.1048_1051del, p.Val350fs (NM_022650.3); c.933+31571_933+31574del (NM_001364075.2); short protein forms V527fs, V350fs.
Identifiers: ClinVar variation 952284 (VCV000952284.38), dbSNP rs1760265136, ClinGen allele CA1139658950.

ClinVar aggregate classification (germline): Pathogenic. Review status: criteria provided, multiple submitters, no conflicts (2 of 4 stars). 3 submissions from 3 submitters: Pathogenic (3). Last evaluated 2026-03-27.

Conditions:
Cardiovascular phenotype. Identifiers: MedGen CN230736.
Capillary malformation-arteriovenous malformation syndrome. Also called: Capillary malformation-arteriovenous malformation. Identifiers: Orphanet 137667, MedGen C1842180, MONDO:0012016.

Submissions (3):

Ambry Genetics
Classification: Pathogenic for Cardiovascular phenotype. Last evaluated: 2026-03-27. Review status: criteria provided, single submitter. Criteria: Ambry Variant Classification Scheme 2023. Collection method: clinical testing. Allele origin: germline.
Comment: The c.1579_1582delGTCT (p.V527Mfs*16) alteration, located in exon 11 (coding exon 11) of the RASA1 gene, consists of a deletion of 4 nucleotides from position 1579 to 1582, causing a translational frameshift with a predicted alternate stop codon after 16 amino acids. This variant is expected to result in loss of function by premature protein truncation or nonsense-mediated mRNA decay. This variant was not reported in population-based cohorts in the Genome Aggregation Database (gnomAD). This variant was reported in individual(s) with features consistent with RASA1-related capillary malformation-arteriovenous malformation syndrome (Eerola, 2003; Wooderchak-Donahue, 2018). Based on the available evidence, this alteration is classified as pathogenic.

Labcorp Genetics (formerly Invitae), Labcorp
Classification: Pathogenic for Capillary malformation-arteriovenous malformation syndrome. Last evaluated: 2025-11-21. Review status: criteria provided, single submitter. Criteria: Invitae Variant Classification Sherloc (09022015). Collection method: clinical testing. Allele origin: germline.
Comment: This sequence change creates a premature translational stop signal (p.Val527Metfs*16) in the RASA1 gene. It is expected to result in an absent or disrupted protein product. Loss-of-function variants in RASA1 are known to be pathogenic (PMID: 24038909). This variant is not present in population databases (gnomAD no frequency). This premature translational stop signal has been observed in individuals with capillary malformation-arteriovenous malformation (PMID: 14639529, 29891884). It has also been observed to segregate with disease in related individuals. ClinVar contains an entry for this variant (Variation ID: 952284). For these reasons, this variant has been classified as Pathogenic.

CeGaT Center for Human Genetics Tuebingen
Classification: Pathogenic. Last evaluated: 2023-02-01. Review status: criteria provided, single submitter. Criteria: CeGaT Center For Human Genetics Tuebingen Variant Classification Criteria Version 2. Collection method: clinical testing. Allele origin: germline. Affected: yes. Observed: 2 variant alleles.

Literature cited by the submitters: PubMed 14639529 (cited by Ambry Genetics and Labcorp Genetics (formerly Invitae), Labcorp); PubMed 29891884 (cited by Ambry Genetics and Labcorp Genetics (formerly Invitae), Labcorp); PubMed 24038909 (cited by Labcorp Genetics (formerly Invitae), Labcorp).